The following is an entry in ClinVar:

ClinVar aggregate classification (germline): Conflicting classifications of pathogenicity. Review status: criteria provided, conflicting classifications (1 of 4 stars). 2 submissions from 2 submitters: Pathogenic (1); Uncertain significance (1). Last evaluated 2025-09-08.

Conditions:
Galactosylceramide beta-galactosidase deficiency. Also called: GALACTOCEREBROSIDASE DEFICIENCY; GALC DEFICIENCY; GLOBOID CELL LEUKOENCEPHALOPATHY; Krabbe Disease; Leukodystrophy, Globoid Cell. Identifiers: Orphanet 487, MedGen C0023521, MONDO:0009499, OMIM 245200.

Submissions (2):

Labcorp Genetics (formerly Invitae), Labcorp
Classification: Pathogenic for Galactosylceramide beta-galactosidase deficiency. Last evaluated: 2025-09-08. Review status: criteria provided, single submitter. Criteria: Invitae Variant Classification Sherloc (09022015). Collection method: clinical testing. Allele origin: germline.
Comment: This sequence change replaces threonine, which is neutral and polar, with isoleucine, which is neutral and non-polar, at codon 467 of the GALC protein (p.Thr467Ile). This variant is not present in population databases (gnomAD no frequency). This missense change has been observed in individual(s) with Krabbe disease (PMID: 38515343; internal data). In at least one individual the data is consistent with being in trans (on the opposite chromosome) from a pathogenic variant. ClinVar contains an entry for this variant (Variation ID: 1320176). Invitae Evidence Modeling of protein sequence and biophysical properties (such as structural, functional, and spatial information, amino acid conservation, physicochemical variation, residue mobility, and thermodynamic stability) indicates that this missense variant is expected to disrupt GALC protein function with a positive predictive value of 95%. For these reasons, this variant has been classified as Pathogenic.

3billion
Classification: Uncertain significance for Galactosylceramide beta-galactosidase deficiency. Last evaluated: 2021-10-02. Review status: criteria provided, single submitter. Criteria: ACMG Guidelines, 2015. Collection method: clinical testing. Allele origin: unknown. Affected: yes. Observed: 1 heterozygote.
Comment: It is not observed in the gnomAD v2.1.1 dataset (PM2). In silico tool predictions suggest damaging effect of the variant on gene or gene product (REVEL: 0.914, 3Cnet: 0.771, PP3). Patient's phenotype is considered compatible with Krabbe disease (3billion dataset, PP4). Therefore, this variant is classified as uncertain significance according to the recommendation of ACMG/AMP guideline.

Literature cited by the submitters: PubMed 38515343 (cited by Labcorp Genetics (formerly Invitae), Labcorp).

NM_000153.4(GALC):c.1400C>T (p.Thr467Ile)

Gene: GALC (galactosylceramidase; minus strand). Cytogenetic location: 14q31.3.
Variant type: single nucleotide variant.
Coding change: c.1400C>T on transcript NM_000153.4 (MANE Select); coding-DNA position 1400, C replaced by T.
Protein change: p.Thr467Ile; replaces threonine 467 with isoleucine.
Molecular consequence: missense variant.
Genome position (GRCh38, 1-based): chr14:87,947,817, G>A on the plus strand (C>T on the coding strand, the complement: GALC is on the minus strand). VCF-style: chr14-87947817-G-A. GRCh37 (hg19) VCF-style: chr14-88414161-G-A.
Other names: c.1331C>T, p.Thr444Ile (NM_001201401.2); c.1322C>T, p.Thr441Ile (NM_001201402.2); short protein forms T441I, T444I, T467I.
Identifiers: ClinVar variation 1320176 (VCV001320176.6), dbSNP rs750431739, ClinGen allele CA390746550.